The following is an entry in ClinVar:

ClinVar aggregate classification (germline): Conflicting classifications of pathogenicity. Review status: criteria provided, conflicting classifications (1 of 4 stars). 4 submissions from 4 submitters: Uncertain significance (2); Likely benign (1). 1 of the submissions does not count toward it. Last evaluated 2025-09-24.

Conditions:
CEP164-related disorder. Also called: CEP164-related condition.
Nephronophthisis 15 (NPHP15). Identifiers: Orphanet 3156, MedGen C3541853, MONDO:0013917, OMIM 614845.

Allele frequency attached by ClinVar (database versions not stated): gnomAD exomes 0.00005; ExAC 0.00007; ESP Exome Variant Server 0.00008; TOPMed 0.00012.
gnomAD v4.1: 72 of 1,613,746 alleles (0.0045%); highest among the groups gnomAD compares: African/African-American, 0.019%; 1 homozygote.

Submissions (4):

Labcorp Genetics (formerly Invitae), Labcorp
Classification: Uncertain significance for Nephronophthisis 15. Last evaluated: 2025-09-24. Review status: criteria provided, single submitter. Criteria: Invitae Variant Classification Sherloc (09022015). Collection method: clinical testing. Allele origin: germline.
Comment: This sequence change replaces arginine, which is basic and polar, with tryptophan, which is neutral and slightly polar, at codon 650 of the CEP164 protein (p.Arg650Trp). This variant is present in population databases (rs145755063, gnomAD 0.04%). This variant has not been reported in the literature in individuals affected with CEP164-related conditions. ClinVar contains an entry for this variant (Variation ID: 1479949). Invitae Evidence Modeling of protein sequence and biophysical properties (such as structural, functional, and spatial information, amino acid conservation, physicochemical variation, residue mobility, and thermodynamic stability) indicates that this missense variant is not expected to disrupt CEP164 protein function with a negative predictive value of 80%. In summary, the available evidence is currently insufficient to determine the role of this variant in disease. Therefore, it has been classified as a Variant of Uncertain Significance.

Fulgent Genetics
Classification: Uncertain significance for Nephronophthisis 15. Last evaluated: 2024-02-08. Review status: criteria provided, single submitter. Criteria: ACMG Guidelines, 2015. Collection method: clinical testing. Allele origin: germline.

Blueprint Genetics
Classification: Likely benign. Last evaluated: 2021-10-05. Review status: criteria provided, single submitter. Criteria: ACMG Guidelines, 2015. Collection method: clinical testing. Allele origin: germline.

PreventionGenetics, part of Exact Sciences
Classification: Uncertain significance for CEP164-related condition. Last evaluated: 2024-09-25. Review status: no assertion criteria provided. Collection method: clinical testing. Allele origin: germline. Not counted in ClinVar's aggregate classification.
Comment: The CEP164 c.1948C>T variant is predicted to result in the amino acid substitution p.Arg650Trp. To our knowledge, this variant has not been reported in the literature. This variant is reported in 0.043% of alleles in individuals of African descent in gnomAD. At this time, the clinical significance of this variant is uncertain due to the absence of conclusive functional and genetic evidence.

NM_014956.5(CEP164):c.1948C>T (p.Arg650Trp)

Gene: CEP164 (centrosomal protein 164; plus strand). Cytogenetic location: 11q23.3.
Variant type: single nucleotide variant.
Coding change: c.1948C>T on transcript NM_014956.5 (MANE Select); coding-DNA position 1948, C replaced by T.
Protein change: p.Arg650Trp; replaces arginine 650 with tryptophan.
Molecular consequence: missense variant.
Genome position (GRCh38, 1-based): chr11:117,390,790, C>T. VCF-style: chr11-117390790-C-T. GRCh37 (hg19) VCF-style: chr11-117261506-C-T.
Other names: c.1948C>T (NM_014956.4); c.1957C>T, p.Arg653Trp (NM_001271933.2); short protein forms R653W, R650W.
Identifiers: ClinVar variation 1479949 (VCV001479949.8), dbSNP rs145755063, ClinGen allele CA6294913.